The following is an entry in ClinVar:

NM_005546.4(ITK):c.1748C>T (p.Ala583Val)

Gene: ITK (IL2 inducible T cell kinase; plus strand). Cytogenetic location: 5q33.3.
Variant type: single nucleotide variant.
Coding change: c.1748C>T on transcript NM_005546.4 (MANE Select); coding-DNA position 1748, C replaced by T.
Protein change: p.Ala583Val; replaces alanine 583 with valine.
Molecular consequence: missense variant.
Genome position (GRCh38, 1-based): chr5:157,248,964, C>T. VCF-style: chr5-157248964-C-T. GRCh37 (hg19) VCF-style: chr5-156675974-C-T.
Other names: c.1748C>T (NM_005546.3); short protein forms A583V.
Identifiers: ClinVar variation 1514994 (VCV001514994.7), dbSNP rs200077959, ClinGen allele CA3533183.
Genomic context (GRCh38, chr5:157,248,964, plus strand): 5'-GCAACTCAGAGGTGGTGGAAGACATCAGTACCGGATTTCGGTTGTACAAGCCCCGGCTGG[C>T]CTCCACACACGTCTACCAGATTATGAATCACTGCTGGAAAGAGGTCAGTGGAGGAAGTGC-3'
Protein context (NP_005537.3, residues 573-593): TGFRLYKPRL[Ala583Val]STHVYQIMNH

ClinVar aggregate classification (germline): Uncertain significance. Review status: criteria provided, multiple submitters, no conflicts (2 of 4 stars). 2 submissions from 2 submitters: Uncertain significance (2). Last evaluated 2025-11-19.

Conditions:
Lymphoproliferative syndrome 1 (LPFS1). Identifiers: Orphanet 238505, Orphanet 538963, MedGen C3552634, MONDO:0013081, OMIM 613011.
Inborn genetic diseases. Identifiers: MedGen C0950123, MeSH D030342.

Allele frequency attached by ClinVar (database versions not stated): gnomAD exomes 0.00003 and 0.00004; ExAC 0.00004; gnomAD 0.00007 and 0.00008; TOPMed 0.00011; 1000 Genomes Project 30x 0.00016; 1000 Genomes Project 0.00020.
gnomAD v4.1: 61 of 1,613,918 alleles (0.0038%); highest among the groups gnomAD compares: African/African-American, 0.016%; no homozygotes.

Submissions (2):

Ambry Genetics
Classification: Uncertain significance for Inborn genetic diseases. Last evaluated: 2025-11-19. Review status: criteria provided, single submitter. Criteria: Ambry Variant Classification Scheme 2023. Collection method: clinical testing. Allele origin: germline.

Labcorp Genetics (formerly Invitae), Labcorp
Classification: Uncertain significance for Lymphoproliferative syndrome 1. Last evaluated: 2021-08-31. Review status: criteria provided, single submitter. Criteria: Invitae Variant Classification Sherloc (09022015). Collection method: clinical testing. Allele origin: germline.
Comment: This sequence change replaces alanine with valine at codon 583 of the ITK protein (p.Ala583Val). The alanine residue is moderately conserved and there is a small physicochemical difference between alanine and valine. This variant is present in population databases (rs200077959, ExAC 0.02%). This variant has not been reported in the literature in individuals affected with ITK-related conditions. Advanced modeling of protein sequence and biophysical properties (such as structural, functional, and spatial information, amino acid conservation, physicochemical variation, residue mobility, and thermodynamic stability) performed at Invitae indicates that this missense variant is not expected to disrupt ITK protein function. In summary, the available evidence is currently insufficient to determine the role of this variant in disease. Therefore, it has been classified as a Variant of Uncertain Significance.